The following is an entry in ClinVar:

ClinVar aggregate classification (germline): Likely benign (0 of 4 stars; one submission).

Conditions:
NF1-related disorder. Also called: NF1-related condition. Identifiers: MedGen CN379171.

Allele frequency attached by ClinVar (database versions not stated): TOPMed below 0.00001; gnomAD 0.00001.
gnomAD v4.1: 1 of 243,782 alleles (0.00041%); highest among the groups gnomAD compares: Admixed American, 0.0051%; no homozygotes.

Submission:

PreventionGenetics, part of Exact Sciences
Classification: Likely benign for NF1-related condition. Last evaluated: 2019-07-17. Review status: no assertion criteria provided. Collection method: clinical testing. Allele origin: germline.
Comment: This variant is classified as likely benign based on ACMG/AMP sequence variant interpretation guidelines (Richards et al. 2015 PMID: 25741868, with internal and published modifications).

NM_001042492.3(NF1):c.5812+326G>A

Gene: NF1 (neurofibromin 1; plus strand). Cytogenetic location: 17q11.2.
Variant type: single nucleotide variant.
Coding change: c.5812+326G>A on transcript NM_001042492.3 (MANE Select); 326 bases into the intron after coding-DNA position 5812, G replaced by A.
Molecular consequence: intron variant.
Genome position (GRCh38, 1-based): chr17:31,330,824, G>A. VCF-style: chr17-31330824-G-A. GRCh37 (hg19) VCF-style: chr17-29657842-G-A.
Other names: c.5749+326G>A (NM_000267.4).
Identifiers: ClinVar variation 3050757 (VCV003050757.2), dbSNP rs1190292967, ClinGen allele CA728006167.